The following is an entry in ClinVar:

NM_000179.3(MSH6):c.3422C>G (p.Ser1141Cys)

Gene: MSH6 (mutS homolog 6; plus strand). Cytogenetic location: 2p16.3.
Variant type: single nucleotide variant.
Coding change: c.3422C>G on transcript NM_000179.3 (MANE Select); coding-DNA position 3422, C replaced by G.
Protein change: p.Ser1141Cys; replaces serine 1141 with cysteine.
Molecular consequence: missense variant.
Genome position (GRCh38, 1-based): chr2:47,803,669, C>G. VCF-style: chr2-47803669-C-G. GRCh37 (hg19) VCF-style: chr2-48030808-C-G.
Other names: c.3032C>G, p.Ser1011Cys (NM_001281492.2); c.2516C>G, p.Ser839Cys (NM_001281493.2, NM_001281494.2); short protein forms S1011C, S1141C, S839C.
Identifiers: ClinVar variation 1005185 (VCV001005185.13), dbSNP rs1669773070, ClinGen allele CA346758933.
Genomic context (GRCh38, chr2:47,803,669, plus strand): 5'-AGCAGGAAAATGGCAAAGCCTATTGTGTGCTTGTTACTGGACCAAATATGGGGGGCAAGT[C>G]TACGCTTATGAGACAGGTAACTGATTCTTAAAGTTTTGTTATCAGAAAGTCATTTGTGAC-3'
Protein context (NP_000170.1, residues 1131-1151): LVTGPNMGGK[Ser1141Cys]TLMRQAGLLA

ClinVar aggregate classification (germline): Uncertain significance. Review status: criteria provided, multiple submitters, no conflicts (2 of 4 stars). 3 submissions from 3 submitters: Uncertain significance (3). Last evaluated 2024-10-10.

Conditions:
Hereditary nonpolyposis colorectal neoplasms. Identifiers: MedGen C0009405, MeSH D003123.
Hereditary cancer-predisposing syndrome. Also called: Hereditary neoplastic syndrome; Neoplastic Syndromes, Hereditary; Tumor predisposition; Hereditary Cancer Syndrome. Identifiers: Orphanet 140162, MedGen C0027672, MeSH D009386, MONDO:0015356.

Allele frequency attached by ClinVar (database versions not stated): gnomAD exomes below 0.00001.
gnomAD v4.1: 1 of 1,614,168 alleles (0.000062%); highest among the groups gnomAD compares: Non-Finnish European, 0.000085%; no homozygotes.

Submissions (3):

Ambry Genetics
Classification: Uncertain significance for Hereditary cancer-predisposing syndrome. Last evaluated: 2024-10-10. Review status: criteria provided, single submitter. Criteria: Ambry Variant Classification Scheme 2023. Collection method: clinical testing. Allele origin: germline.
Comment: The p.S1141C variant (also known as c.3422C>G), located in coding exon 5 of the MSH6 gene, results from a C to G substitution at nucleotide position 3422. The serine at codon 1141 is replaced by cysteine, an amino acid with dissimilar properties. This amino acid position is highly conserved in available vertebrate species. In addition, this alteration is predicted to be deleterious by in silico analysis. Based on the available evidence, the clinical significance of this variant remains unclear.

Labcorp Genetics (formerly Invitae), Labcorp
Classification: Uncertain significance for Hereditary nonpolyposis colorectal neoplasms. Last evaluated: 2024-04-05. Review status: criteria provided, single submitter. Criteria: Invitae Variant Classification Sherloc (09022015). Collection method: clinical testing. Allele origin: germline.
Comment: This sequence change replaces serine, which is neutral and polar, with cysteine, which is neutral and slightly polar, at codon 1141 of the MSH6 protein (p.Ser1141Cys). This variant is not present in population databases (gnomAD no frequency). This variant has not been reported in the literature in individuals affected with MSH6-related conditions. ClinVar contains an entry for this variant (Variation ID: 1005185). Advanced modeling of protein sequence and biophysical properties (such as structural, functional, and spatial information, amino acid conservation, physicochemical variation, residue mobility, and thermodynamic stability) performed at Invitae indicates that this missense variant is expected to disrupt MSH6 protein function with a positive predictive value of 95%. In summary, the available evidence is currently insufficient to determine the role of this variant in disease. Therefore, it has been classified as a Variant of Uncertain Significance.

GeneDx
Classification: Uncertain significance. Last evaluated: 2023-03-15. Review status: criteria provided, single submitter. Criteria: GeneDx Variant Classification Process June 2021. Collection method: clinical testing. Allele origin: germline. Affected: yes.
Comment: Not observed at significant frequency in large population cohorts (gnomAD); In silico analysis supports that this missense variant has a deleterious effect on protein structure/function; Has not been previously published as pathogenic or benign to our knowledge; This variant is associated with the following publications: (PMID: 21120944, 12019211)